The following is an entry in ClinVar:

NM_012210.4(TRIM32):c.1275T>C (p.Asp425=)

Genes: ASTN2 (astrotactin 2; minus strand), TRIM32 (tripartite motif containing 32; plus strand). Cytogenetic location: 9q33.1.
Variant type: single nucleotide variant.
Coding change: c.1275T>C on transcript NM_012210.4 (MANE Select); coding-DNA position 1275, T replaced by C.
Protein change: p.Asp425=; no amino-acid change (aspartic acid 425 retained).
Molecular consequence: synonymous variant. On other transcripts: intron variant (3).
Genome position (GRCh38, 1-based): chr9:116,699,017, T>C. VCF-style: chr9-116699017-T-C. GRCh37 (hg19) VCF-style: chr9-119461296-T-C.
Other names: c.1275T>C, p.Asp425= (NM_001099679.2, NM_001379048.1, NM_001379049.1 and 1 more transcripts); c.2653+26754A>G (NM_014010.5); c.2794+26754A>G (NM_001365069.1); c.2806+26754A>G (NM_001365068.1).
Identifiers: ClinVar variation 697113 (VCV000697113.15), dbSNP rs150813870, ClinGen allele CA5211125.

ClinVar aggregate classification (germline): Benign/Likely benign. Review status: criteria provided, multiple submitters, no conflicts (2 of 4 stars). 5 submissions from 5 submitters: Benign (2); Likely benign (2). 1 of the submissions does not count toward it. Last evaluated 2026-01-26.

Conditions:
TRIM32-related disorder. Also called: TRIM32-related condition.
Bardet-Biedl syndrome (BBS). Identifiers: Orphanet 110, MedGen C0752166, MONDO:0015229.
Bardet-Biedl syndrome 11 (BBS11). Identifiers: Orphanet 110, MedGen C1859569, MONDO:0014439, OMIM 615988.
Sarcotubular myopathy (LGMDR8). Also called: Hutterite type of muscular dystrophy; Limb-girdle muscular dystrophy, type 2H; Autosomal recessive limb-girdle muscular dystrophy type 2H; MUSCULAR DYSTROPHY, LIMB-GIRDLE, AUTOSOMAL RECESSIVE 8. Identifiers: Orphanet 1878, MedGen C0270968, MONDO:0009683, OMIM 254110.

Allele frequency attached by ClinVar (database versions not stated): gnomAD 0.00005 and 0.00009; TOPMed 0.00007; gnomAD exomes 0.00010 and 0.00020; ExAC 0.00021; 1000 Genomes Project 30x 0.00078; 1000 Genomes Project 0.00080.
gnomAD v4.1: 172 of 1,614,158 alleles (0.011%); highest among the groups gnomAD compares: East Asian, 0.17%; 3 homozygotes.

Submissions (5):

Labcorp Genetics (formerly Invitae), Labcorp
Classification: Benign for Bardet-Biedl syndrome. Last evaluated: 2026-01-26. Review status: criteria provided, single submitter. Criteria: Invitae Variant Classification Sherloc (09022015). Collection method: clinical testing. Allele origin: germline.

Blueprint Genetics
Classification: Likely benign. Last evaluated: 2024-04-17. Review status: criteria provided, single submitter. Criteria: ACMG Guidelines, 2015. Collection method: clinical testing. Allele origin: germline.

Fulgent Genetics
Classification: Likely benign for Sarcotubular myopathy; Bardet-Biedl syndrome 11. Last evaluated: 2022-04-30. Review status: criteria provided, single submitter. Criteria: ACMG Guidelines, 2015. Collection method: clinical testing. Allele origin: unknown.

Breakthrough Genomics
Classification: Benign. Review status: criteria provided, single submitter. Criteria: ACMG Guidelines, 2015. Collection method: not provided. Allele origin: germline. Inheritance: Autosomal recessive inheritance. Affected: yes.

PreventionGenetics, part of Exact Sciences
Classification: Likely benign for TRIM32-related condition. Last evaluated: 2021-02-26. Review status: no assertion criteria provided. Collection method: clinical testing. Allele origin: germline. Not counted in ClinVar's aggregate classification.
Comment: This variant is classified as likely benign based on ACMG/AMP sequence variant interpretation guidelines (Richards et al. 2015 PMID: 25741868, with internal and published modifications).